The following is an entry in ClinVar:

ClinVar aggregate classification (germline): Likely pathogenic (1 of 4 stars; one submission).

Conditions:
Mowat-Wilson syndrome (MOWS). Also called: Classic Mowat-Wilson Syndrome. Identifiers: Orphanet 2152, MedGen C1856113, MONDO:0009341, OMIM 235730.

Submission:

Molecular Genetics Laboratory, Motol Hospital
Classification: Likely pathogenic for Mowat-Wilson syndrome. Last evaluated: 2025-11-28. Review status: criteria provided, single submitter. Criteria: ACMG Guidelines, 2015. Collection method: clinical testing. Allele origin: germline. Affected: yes. Observed: 1 variant allele.
Comment: Not present in gnomAD (v4.1.0), dbSNP or ClinVar (PM2). Rare truncating variants affecting the ZEB2 gene are associated with autosomal dominant "Mowat-Wilson syndrome" (MOWS; MIM:235730; PMID:11592033;PMID:35646055;PMID:33199988;PMID:34012377). To conclude, the variant c.2567C>G is classified as likely pathogenic (PM2, PVS1).

Literature cited by the submitters: PubMed 11592033; PubMed 35646055; PubMed 33199988; PubMed 34012377.

NM_014795.4(ZEB2):c.2567C>G (p.Ser856Ter)

Gene: ZEB2 (zinc finger E-box binding homeobox 2; minus strand). Cytogenetic location: 2q22.3.
Variant type: single nucleotide variant.
Coding change: c.2567C>G on transcript NM_014795.4 (MANE Select); coding-DNA position 2567, C replaced by G.
Protein change: p.Ser856Ter; replaces serine 856 with a stop codon.
Molecular consequence: nonsense.
Genome position (GRCh38, 1-based): chr2:144,398,620, G>C on the plus strand (C>G on the coding strand, the complement: ZEB2 is on the minus strand). VCF-style: chr2-144398620-G-C. GRCh37 (hg19) VCF-style: chr2-145156187-G-C.
Other names: c.2495C>G, p.Ser832Ter (NM_001171653.2); short protein forms S832*, S856*.
Identifiers: ClinVar variation 4532783 (VCV004532783.1).
Genomic context (GRCh38, chr2:144,398,620, plus strand): 5'-TCCAGATTATTTGAATTTGAAAATTCCTTCTTGATAAAAGTCAAGTTCAGAGGCTCATCT[G>C]AGTTTTCAGATGAGGAAGAAACACTGTTATGATCTAAACTGATGCTACTAGCTTTTGTTT-3'